The following is an entry in ClinVar:

NM_001122764.3(PPOX):c.767C>G (p.Pro256Arg)

Gene: PPOX (protoporphyrinogen oxidase; plus strand). Cytogenetic location: 1q23.3.
Variant type: single nucleotide variant.
Coding change: c.767C>G on transcript NM_001122764.3 (MANE Select); coding-DNA position 767, C replaced by G.
Protein change: p.Pro256Arg; replaces proline 256 with arginine.
Molecular consequence: missense variant.
Genome position (GRCh38, 1-based): chr1:161,169,143, C>G. VCF-style: chr1-161169143-C-G. GRCh37 (hg19) VCF-style: chr1-161138933-C-G.
Other names: c.767C>G (NM_000309.4); c.767C>G, p.Pro256Arg (NM_000309.5, NM_001365398.1, NM_001365399.1); c.668C>G, p.Pro223Arg (NM_001350128.2); c.359C>G, p.Pro120Arg (NM_001350129.2, NM_001365400.1); c.281C>G, p.Pro94Arg (NM_001350130.2, NM_001350131.2, NM_001365401.1); short protein forms P256R, P120R, P223R, P94R.
Identifiers: ClinVar variation 8704 (VCV000008704.52), dbSNP rs12735723, ClinGen allele CA119844.

ClinVar aggregate classification (germline): Conflicting classifications of pathogenicity. Review status: criteria provided, conflicting classifications (1 of 4 stars). 12 submissions from 12 submitters: Uncertain significance (1); Benign (4); Likely benign (2). 5 of the submissions do not count toward it. Last evaluated 2026-09-01.

Conditions:
PPOX-related disorder. Also called: PPOX-related condition.
Variegate porphyria, childhood-onset (VPCO). Also called: VARIEGATE PORPHYRIA, HOMOZYGOUS VARIANT. Identifiers: MedGen C5882681, MONDO:0957577, OMIM 620483.
Variegate porphyria (VP). Also called: PROTOPORPHYRINOGEN OXIDASE DEFICIENCY; PORPHYRIA, SOUTH AFRICAN TYPE; PPOX DEFICIENCY. Identifiers: Orphanet 79473, MedGen C0162532, MONDO:0008297, OMIM 176200.

Allele frequency attached by ClinVar (database versions not stated): 1000 Genomes Project 30x 0.00297; 1000 Genomes Project 0.00280; gnomAD 0.00660; TOPMed 0.00573.
gnomAD v4.1: 14,423 of 1,614,136 alleles (0.89%); highest among the groups gnomAD compares: Non-Finnish European, 1.1%; 79 homozygotes.

Submissions (12):

CeGaT Center for Human Genetics Tuebingen
Classification: Benign. Last evaluated: 2026-09-01. Review status: criteria provided, single submitter. Criteria: CeGaT Center For Human Genetics Tuebingen Variant Classification Criteria Version 2. Collection method: clinical testing. Allele origin: germline. Affected: yes. Observed: 4 variant alleles.
Comment: PPOX: BP4, BS1, BS2

Labcorp Genetics (formerly Invitae), Labcorp
Classification: Benign. Last evaluated: 2026-01-30. Review status: criteria provided, single submitter. Criteria: Invitae Variant Classification Sherloc (09022015). Collection method: clinical testing. Allele origin: germline.

Blueprint Genetics
Classification: Likely benign. Last evaluated: 2024-11-22. Review status: criteria provided, single submitter. Criteria: ACMG Guidelines, 2015. Collection method: clinical testing. Allele origin: germline.

Department of Medical Genomics, Royal Prince Alfred Hospital
Classification: Benign for Variegate porphyria. Last evaluated: 2022-06-30. Review status: criteria provided, single submitter. Criteria: ACMG Guidelines, 2015. Collection method: curation. Allele origin: unknown. Inheritance: Autosomal dominant inheritance. Affected: no. Observed: 1 heterozygote.
Comment: The PPOX:c.767C>G p.(Pro256Arg) variant has a gnomAD v2.1.1 FAF of 0.9288% (European non-Finnish). In a control population, allele frequency was 5%, with ~10% in the French cohort (Whatley et al 1999, PMID 10486317). In vitro functional studies found normal PPOX activity in transfected COS cells (Kauppinen et al 2001, PMID 11286631). in silico modelling predicts non-deleterious effect (REVEL score 0.495). Fulfils ACMG/AMP criteria BA1, BS3_supporting, BP4 and so is classified as Benign.

Genetics and Molecular Pathology, SA Pathology
Classification: Benign for Variegate porphyria. Last evaluated: 2021-05-11. Review status: criteria provided, single submitter. Criteria: ACMG Guidelines, 2015. Collection method: clinical testing. Allele origin: germline. Inheritance: Autosomal dominant inheritance. Affected: yes.

Mendelics
Classification: Uncertain significance for Variegate porphyria. Last evaluated: 2019-05-28. Review status: criteria provided, single submitter. Criteria: Mendelics Assertion Criteria 2017. Collection method: clinical testing. Allele origin: unknown.

Illumina Laboratory Services, Illumina
Classification: Likely benign for Variegate porphyria. Last evaluated: 2017-04-27. Review status: criteria provided, single submitter. Criteria: ICSL Variant Classification Criteria 13 December 2019. Collection method: clinical testing. Allele origin: germline.
Comment: This variant was observed as part of a predisposition screen in an ostensibly healthy population. A literature search was performed for the gene, cDNA change, and amino acid change (where applicable). Publications were found based on this search. The evidence from the literature, in combination with allele frequency data from public databases where available, was sufficient to determine this variant is unlikely to cause disease. Therefore, this variant is classified as likely benign.

PreventionGenetics, part of Exact Sciences
Classification: Likely benign for PPOX-related condition. Last evaluated: 2020-05-19. Review status: no assertion criteria provided. Collection method: clinical testing. Allele origin: germline. Not counted in ClinVar's aggregate classification.
Comment: This variant is classified as likely benign based on ACMG/AMP sequence variant interpretation guidelines (Richards et al. 2015 PMID: 25741868, with internal and published modifications).

Reproductive Health Research and Development, BGI Genomics
Classification: Benign for Porphyria variegata. Last evaluated: 2020-01-06. Review status: no assertion criteria provided. Collection method: curation. Allele origin: germline. Not counted in ClinVar's aggregate classification.
Comment: NM_000309.3:c.767C>G in the PPOX gene has an allele frequency of 0.012 in European (Finnish) subpopulation in the gnomAD database, including eight homozygous occurrences. Functional studies indicated that this variant resulted in less than half of the normal PPOX activity in the prokaryotic expression system but the activity was almost normal in eukaryotic expression (PMID: 11286631). In addition, Whatley et al. reported this variant as a polymorphism (PMID: 10486317). Taken together, we interprete this variant as Benign/Likely benign variant. ACMG/AMP criteria applied: BS1; BS2; BS3.

OMIM
Classification: Pathogenic for VARIEGATE PORPHYRIA, CHILDHOOD-ONSET. Last evaluated: 2001-04-01. Review status: no assertion criteria provided. Collection method: literature only. Allele origin: germline. Not counted in ClinVar's aggregate classification.

Clinical Genetics, Academic Medical Center
Classification: Likely benign. Review status: no assertion criteria provided. Collection method: clinical testing. Allele origin: germline. Affected: yes. Study: VKGL Data-share Consensus. Not counted in ClinVar's aggregate classification.

Diagnostic Laboratory, Department of Genetics, University Medical Center Groningen
Classification: Likely benign. Review status: no assertion criteria provided. Collection method: clinical testing. Allele origin: germline. Affected: yes. Study: VKGL Data-share Consensus. Not counted in ClinVar's aggregate classification.

Literature cited by the submitters: PubMed 10486317 (cited by Department of Medical Genomics, Royal Prince Alfred Hospital and Illumina Laboratory Services, Illumina); PubMed 11286631 (cited by 3 submitters).